The following is an entry in ClinVar:

NM_001356.5(DDX3X):c.760A>G (p.Met254Val)

Gene: DDX3X (DEAD-box helicase 3 X-linked; plus strand). Cytogenetic location: Xp11.4.
Variant type: single nucleotide variant.
Coding change: c.760A>G on transcript NM_001356.5 (MANE Select); coding-DNA position 760, A replaced by G.
Protein change: p.Met254Val; replaces methionine 254 with valine.
Molecular consequence: missense variant. On other transcripts: non-coding transcript variant (1).
Genome position (GRCh38, 1-based): chrX:41,343,817, A>G. VCF-style: chrX-41343817-A-G. GRCh37 (hg19) VCF-style: chrX-41203070-A-G.
Other names: c.760A>G, p.Met254Val (NM_001193416.3); c.712A>G, p.Met238Val (NM_001193417.3); c.202A>G, p.Met68Val (NM_001363819.1); short protein forms M238V, M254V, M68V.
Identifiers: ClinVar variation 3342325 (VCV003342325.2).

ClinVar aggregate classification (germline): Uncertain significance (1 of 4 stars; one submission).

gnomAD v4.1: 3 of 1,199,367 alleles (0.00025%); highest among the groups gnomAD compares: Non-Finnish European, 0.00034%; no homozygotes.

Submission:

GeneDx
Classification: Uncertain significance. Last evaluated: 2025-05-01. Review status: criteria provided, single submitter. Criteria: GeneDx Variant Classification Process June 2021. Collection method: clinical testing. Allele origin: germline.
Comment: Not observed at significant frequency in large population cohorts (gnomAD); In silico analysis suggests that this missense variant does not alter protein structure/function; Has not been previously published as pathogenic or benign to our knowledge